The following is an entry in ClinVar:

NM_003238.6(TGFB2):c.268G>T (p.Glu90Ter)

Gene: TGFB2 (transforming growth factor beta 2; plus strand). Cytogenetic location: 1q41.
Variant type: single nucleotide variant.
Coding change: c.268G>T on transcript NM_003238.6 (MANE Select); coding-DNA position 268, G replaced by T.
Protein change: p.Glu90Ter; replaces glutamic acid 90 with a stop codon.
Molecular consequence: nonsense. On other transcripts: non-coding transcript variant (2).
Genome position (GRCh38, 1-based): chr1:218,346,969, G>T. VCF-style: chr1-218346969-G-T. GRCh37 (hg19) VCF-style: chr1-218520311-G-T.
Other names: c.268G>T, p.Glu90Ter (NM_001135599.4); short protein forms E90*.
Identifiers: ClinVar variation 4730781 (VCV004730781.1).

ClinVar aggregate classification (germline): Pathogenic (1 of 4 stars; one submission).

Conditions:
Loeys-Dietz syndrome 4 (LDS4). Also called: ANEURYSM, AORTIC AND CEREBRAL, WITH ARTERIAL TORTUOSITY AND SKELETAL MANIFESTATIONS; TGFB2-Related Loeys-Dietz Syndrome. Identifiers: MedGen C3553762, MONDO:0013897, OMIM 614816.

Submission:

Labcorp Genetics (formerly Invitae), Labcorp
Classification: Pathogenic for Loeys-Dietz syndrome 4. Last evaluated: 2025-11-09. Review status: criteria provided, single submitter. Criteria: Invitae Variant Classification Sherloc (09022015). Collection method: clinical testing. Allele origin: germline.
Comment: This sequence change creates a premature translational stop signal (p.Glu90*) in the TGFB2 gene. It is expected to result in an absent or disrupted protein product. Loss-of-function variants in TGFB2 are known to be pathogenic (PMID: 22772368, 22772371, 30739908). This variant is not present in population databases (gnomAD no frequency). This variant has not been reported in the literature in individuals affected with TGFB2-related conditions. For these reasons, this variant has been classified as Pathogenic.

Literature cited by the submitters: PubMed 22772368; PubMed 22772371; PubMed 30739908.